The following is an entry in ClinVar:

ClinVar aggregate classification (germline): Conflicting classifications of pathogenicity. Review status: criteria provided, conflicting classifications (1 of 4 stars). 5 submissions from 5 submitters: Uncertain significance (4); Benign (1). Last evaluated 2025-11-03.

Conditions:
Fanconi anemia complementation group O. Also called: RAD51C-Related Fanconi Anemia. Identifiers: Orphanet 84, MedGen C3150653, MONDO:0013248, OMIM 613390.
Breast-ovarian cancer, familial, susceptibility to, 3. Also called: RAD51C-Related Breast/Ovarian Cancer. Identifiers: Orphanet 145, MedGen C3150659, MONDO:0013253, OMIM 613399.
Hereditary cancer-predisposing syndrome. Also called: Tumor predisposition; Neoplastic Syndromes, Hereditary; Hereditary Cancer Syndrome; Hereditary neoplastic syndrome. Identifiers: Orphanet 140162, MedGen C0027672, MeSH D009386, MONDO:0015356.
Hereditary breast ovarian cancer syndrome. Also called: Hereditary breast and ovarian cancer; Breast and ovarian cancer; Hereditary breast and/or ovarian cancer syndrome; Hereditary breast and ovarian cancer syndrome (HBOC); BRCA1- and BRCA2-Associated Hereditary Breast and Ovarian Cancer; Hereditary breast and ovarian cancer syndrome. Identifiers: Orphanet 145, MedGen C0677776, MeSH D061325, MONDO:0003582. Disease mechanism: loss of function.

Allele frequency attached by ClinVar (database versions not stated): gnomAD exomes 0.00001.
gnomAD v4.1: 7 of 1,614,246 alleles (0.00043%); highest among the groups gnomAD compares: East Asian, 0.016%; no homozygotes.

Submissions (5):

Labcorp Genetics (formerly Invitae), Labcorp
Classification: Uncertain significance for Fanconi anemia complementation group O. Last evaluated: 2025-11-03. Review status: criteria provided, single submitter. Criteria: Invitae Variant Classification Sherloc (09022015). Collection method: clinical testing. Allele origin: germline.
Comment: This sequence change replaces alanine, which is neutral and non-polar, with glycine, which is neutral and non-polar, at codon 35 of the RAD51C protein (p.Ala35Gly). This variant is not present in population databases (gnomAD no frequency). This variant has not been reported in the literature in individuals affected with RAD51C-related conditions. ClinVar contains an entry for this variant (Variation ID: 471430). Invitae Evidence Modeling of protein sequence and biophysical properties (such as structural, functional, and spatial information, amino acid conservation, physicochemical variation, residue mobility, and thermodynamic stability) indicates that this missense variant is not expected to disrupt RAD51C protein function with a negative predictive value of 80%. Studies have shown this missense change is associated with skipping of part of exon 1, but one or more of the resulting mRNA isoform(s) may be naturally occurring (PMID: 32398771; internal data). In summary, the available evidence is currently insufficient to determine the role of this variant in disease. Therefore, it has been classified as a Variant of Uncertain Significance.

Ambry Genetics
Classification: Benign for Hereditary cancer-predisposing syndrome. Last evaluated: 2025-09-25. Review status: criteria provided, single submitter. Criteria: Ambry Variant Classification Scheme 2023. Collection method: clinical testing. Allele origin: germline.

Fulgent Genetics
Classification: Uncertain significance for Fanconi anemia complementation group O; Breast-ovarian cancer, familial, susceptibility to, 3. Last evaluated: 2024-02-21. Review status: criteria provided, single submitter. Criteria: ACMG Guidelines, 2015. Collection method: clinical testing. Allele origin: germline.

GeneDx
Classification: Uncertain significance. Last evaluated: 2023-05-10. Review status: criteria provided, single submitter. Criteria: GeneDx Variant Classification Process June 2021. Collection method: clinical testing. Allele origin: germline. Affected: yes.
Comment: Not observed in large population cohorts (gnomAD); In silico analysis supports that this missense variant has a deleterious effect on protein structure/function; Has not been previously published as pathogenic or benign to our knowledge; This variant is associated with the following publications: (PMID: 32566746)

Cancer Genomics Group, Japanese Foundation For Cancer Research
Classification: Uncertain significance for Hereditary breast and ovarian cancer syndrome. Last evaluated: 2019-05-01. Review status: criteria provided, single submitter. Criteria: ACMG Guidelines, 2015. Collection method: research. Allele origin: germline. Affected: yes.

Literature cited by the submitters: PubMed 32398771 (cited by Labcorp Genetics (formerly Invitae), Labcorp).

NM_058216.3(RAD51C):c.104C>G (p.Ala35Gly)

Gene: RAD51C (RAD51 paralog C; plus strand). Cytogenetic location: 17q22.
Variant type: single nucleotide variant.
Coding change: c.104C>G on transcript NM_058216.3 (MANE Select); coding-DNA position 104, C replaced by G.
Protein change: p.Ala35Gly; replaces alanine 35 with glycine.
Molecular consequence: missense variant. On other transcripts: non-coding transcript variant (1).
Genome position (GRCh38, 1-based): chr17:58,692,747, C>G. VCF-style: chr17-58692747-C-G. GRCh37 (hg19) VCF-style: chr17-56770108-C-G.
Other names: c.104C>G, p.Ala35Gly (NM_002876.4); short protein forms A35G.
Identifiers: ClinVar variation 471430 (VCV000471430.23), dbSNP rs1555592011, ClinGen allele CA400337384.